The following is an entry in ClinVar:

NM_003620.4(PPM1D):c.148C>T (p.Pro50Ser)

Gene: PPM1D (protein phosphatase, Mg2+/Mn2+ dependent 1D; plus strand). Cytogenetic location: 17q23.2.
Variant type: single nucleotide variant.
Coding change: c.148C>T on transcript NM_003620.4 (MANE Select); coding-DNA position 148, C replaced by T.
Protein change: p.Pro50Ser; replaces proline 50 with serine.
Molecular consequence: missense variant.
Genome position (GRCh38, 1-based): chr17:60,600,562, C>T. VCF-style: chr17-60600562-C-T. GRCh37 (hg19) VCF-style: chr17-58677923-C-T.
Other names: short protein forms P50S.
Identifiers: ClinVar variation 2726603 (VCV002726603.3), dbSNP rs944237283, ClinGen allele CA292225308.

ClinVar aggregate classification (germline): Uncertain significance (1 of 4 stars; one submission).

Allele frequency attached by ClinVar (database versions not stated): gnomAD exomes below 0.00001; gnomAD 0.00001.
gnomAD v4.1: 4 of 1,552,422 alleles (0.00026%); highest among the groups gnomAD compares: Admixed American, 0.002%; no homozygotes.

Submission:

Labcorp Genetics (formerly Invitae), Labcorp
Classification: Uncertain significance. Last evaluated: 2025-04-17. Review status: criteria provided, single submitter. Criteria: Invitae Variant Classification Sherloc (09022015). Collection method: clinical testing. Allele origin: germline.
Comment: This sequence change replaces proline, which is neutral and non-polar, with serine, which is neutral and polar, at codon 50 of the PPM1D protein (p.Pro50Ser). This variant is not present in population databases (gnomAD no frequency). This variant has not been reported in the literature in individuals affected with PPM1D-related conditions. ClinVar contains an entry for this variant (Variation ID: 2726603). An algorithm developed to predict the effect of missense changes on protein structure and function outputs the following: PolyPhen-2: "Benign". The serine amino acid residue is found in multiple mammalian species, which suggests that this missense change does not adversely affect protein function. In summary, the available evidence is currently insufficient to determine the role of this variant in disease. Therefore, it has been classified as a Variant of Uncertain Significance.